The following is an entry in ClinVar:

ClinVar aggregate classification (germline): Uncertain significance (1 of 4 stars; one submission).

Submission:

GeneDx
Classification: Uncertain significance. Last evaluated: 2022-11-21. Review status: criteria provided, single submitter. Criteria: GeneDx Variant Classification Process June 2021. Collection method: clinical testing. Allele origin: germline. Affected: yes.
Comment: Nonsense variant predicted to result in protein truncation or nonsense mediated decay in a gene or region of a gene for which loss of function is not a well-established mechanism of disease; Not observed at significant frequency in large population cohorts (gnomAD); Has not been previously published as pathogenic or benign to our knowledge

NM_015267.4(CUX2):c.739G>T (p.Glu247Ter)

Gene: CUX2 (cut like homeobox 2; plus strand). Cytogenetic location: 12q24.11.
Variant type: single nucleotide variant.
Coding change: c.739G>T on transcript NM_015267.4 (MANE Select); coding-DNA position 739, G replaced by T.
Protein change: p.Glu247Ter; replaces glutamic acid 247 with a stop codon.
Molecular consequence: nonsense.
Genome position (GRCh38, 1-based): chr12:111,298,575, G>T. VCF-style: chr12-111298575-G-T. GRCh37 (hg19) VCF-style: chr12-111736379-G-T.
Other names: c.553G>T, p.Glu185Ter (NM_001370598.1); short protein forms E185*, E247*.
Identifiers: ClinVar variation 2502465 (VCV002502465.1), dbSNP rs2499790940, ClinGen allele CA386723397.
Genomic context (GRCh38, chr12:111,298,575, plus strand): 5'-CTCAGGGCCTCATCTTTGTGTCTCAGGGCAGATGAAGTCGGCCTGATCATGACCAACCTG[G>T]AGAAAGCTAATCAGGTGAGGAGGCGCAGTTCCCACCCGTGGGTGCCAGAGGCTCCCTCTG-3'